The following is an entry in ClinVar:

ClinVar aggregate classification (germline): Uncertain significance (1 of 4 stars; one submission).

Submission:

Labcorp Genetics (formerly Invitae), Labcorp
Classification: Uncertain significance. Last evaluated: 2024-10-02. Review status: criteria provided, single submitter. Criteria: Invitae Variant Classification Sherloc (09022015). Collection method: clinical testing. Allele origin: germline.
Comment: This sequence change falls in intron 3 of the MBD4 gene. It does not directly change the encoded amino acid sequence of the MBD4 protein. This variant is not present in population databases (gnomAD no frequency). This variant has not been reported in the literature in individuals affected with MBD4-related conditions. Algorithms developed to predict the effect of sequence changes on RNA splicing suggest that this variant may disrupt the consensus splice site. In summary, the available evidence is currently insufficient to determine the role of this variant in disease. Therefore, it has been classified as a Variant of Uncertain Significance.

NM_001276270.2(MBD4):c.1184-10T>C

Gene: MBD4 (methyl-CpG binding domain 4, DNA glycosylase; minus strand). Cytogenetic location: 3q21.3.
Variant type: single nucleotide variant.
Coding change: c.1184-10T>C on transcript NM_001276270.2 (MANE Select); 10 bases into the intron before coding-DNA position 1184, T replaced by C.
Molecular consequence: intron variant.
Genome position (GRCh38, 1-based): chr3:129,434,146, A>G on the plus strand (T>C on the coding strand, the complement: MBD4 is on the minus strand). VCF-style: chr3-129434146-A-G. GRCh37 (hg19) VCF-style: chr3-129152989-A-G.
Other names: c.248-10T>C (NM_001276273.2); c.1202-10T>C (NM_001276272.2, NM_003925.3, NM_001276271.2).
Identifiers: ClinVar variation 3722014 (VCV003722014.2).